The following is an entry in ClinVar:

ClinVar aggregate classification (germline): Uncertain significance (1 of 4 stars; one submission).

Submission:

GeneDx
Classification: Uncertain significance. Last evaluated: 2025-08-08. Review status: criteria provided, single submitter. Criteria: GeneDx Variant Classification Process June 2021. Collection method: clinical testing. Allele origin: germline. Affected: yes.
Comment: Not observed at significant frequency in large population cohorts (gnomAD); In silico analysis supports that this missense variant has a deleterious effect on protein structure/function; Has not been previously published as pathogenic or benign to our knowledge

NM_001297595.2(SIN3B):c.1762C>T (p.Arg588Cys)

Gene: SIN3B (SIN3 transcription regulator family member B; plus strand). Cytogenetic location: 19p13.11.
Variant type: single nucleotide variant.
Coding change: c.1762C>T on transcript NM_001297595.2 (MANE Select); coding-DNA position 1762, C replaced by T.
Protein change: p.Arg588Cys; replaces arginine 588 with cysteine.
Molecular consequence: missense variant.
Genome position (GRCh38, 1-based): chr19:16,866,512, C>T. VCF-style: chr19-16866512-C-T. GRCh37 (hg19) VCF-style: chr19-16977323-C-T.
Other names: c.532C>T, p.Arg178Cys (NM_001297597.2); c.1858C>T, p.Arg620Cys (NM_015260.4); short protein forms R178C, R588C, R620C.
Identifiers: ClinVar variation 4755590 (VCV004755590.1).
Genomic context (GRCh38, chr19:16,866,512, plus strand): 5'-TACCTCAAGTCCCTTGACCACCAGGCTGTGAACTTCAAGCAGAACGACACCAAGGCCCTG[C>T]GCTCCAAGAGCTTGCTCAACGAGATCGAGAGCGTCTACGACGAGGTAAAGCCTTCCCTAG-3'
Protein context (NP_001284524.1, residues 578-598): NFKQNDTKAL[Arg588Cys]SKSLLNEIES